The following is an entry in ClinVar:

NM_001401501.2(MUC16):c.42913A>G (p.Arg14305Gly)

Gene: MUC16 (mucin 16, cell surface associated; minus strand). Cytogenetic location: 19p13.2.
Variant type: single nucleotide variant.
Coding change: c.42913A>G on transcript NM_001401501.2 (MANE Select); coding-DNA position 42913, A replaced by G.
Protein change: p.Arg14305Gly; replaces arginine 14305 with glycine.
Molecular consequence: missense variant.
Genome position (GRCh38, 1-based): chr19:8,891,185, T>C on the plus strand (A>G on the coding strand, the complement: MUC16 is on the minus strand). VCF-style: chr19-8891185-T-C. GRCh37 (hg19) VCF-style: chr19-9001861-T-C.
Other names: c.43339A>G, p.Arg14447Gly (NM_001414686.1); c.42793A>G, p.Arg14265Gly (NM_001414687.1); c.40387A>G, p.Arg13463Gly (NM_024690.2); short protein forms R13463G, R14265G, R14305G, R14447G.
Identifiers: ClinVar variation 3344563 (VCV003344563.1).

ClinVar aggregate classification (germline): Uncertain significance (0 of 4 stars; one submission).

Conditions:
MUC16-related disorder. Also called: MUC16-related condition.

Submission:

PreventionGenetics, part of Exact Sciences
Classification: Uncertain significance for MUC16-related condition. Last evaluated: 2024-06-17. Review status: no assertion criteria provided. Collection method: clinical testing. Allele origin: germline.
Comment: The MUC16 c.40387A>G variant is predicted to result in the amino acid substitution p.Arg13463Gly. To our knowledge, this variant has not been reported in the literature or in a large population database, indicating this variant is rare. At this time, the clinical significance of this variant is uncertain due to the absence of conclusive functional and genetic evidence.